The following is an entry in ClinVar:

ClinVar aggregate classification (germline): Pathogenic (1 of 4 stars; one submission).

Conditions:
Gastrointestinal stromal tumor. Also called: Gastrointestinal stromal tumor, somatic; Gastrointestinal stroma tumor. Identifiers: Orphanet 44890, MedGen C0238198, MeSH D046152, MONDO:0011719, OMIM 606764, HP:0100723.

Submission:

Labcorp Genetics (formerly Invitae), Labcorp
Classification: Pathogenic for Gastrointestinal stromal tumor. Last evaluated: 2023-10-22. Review status: criteria provided, single submitter. Criteria: Invitae Variant Classification Sherloc (09022015). Collection method: clinical testing. Allele origin: germline.
Comment: This sequence change creates a premature translational stop signal (p.Asp816Hisfs*4) in the KIT gene. It is expected to result in an absent or disrupted protein product. Loss-of-function variants in KIT are known to be pathogenic (PMID: 15194144). This variant is not present in population databases (gnomAD no frequency). This variant has not been reported in the literature in individuals affected with KIT-related conditions. For these reasons, this variant has been classified as Pathogenic.

Literature cited by the submitters: PubMed 15194144.

NM_000222.3(KIT):c.2446_2447del (p.Asp816fs)

Gene: KIT (KIT proto-oncogene, receptor tyrosine kinase; plus strand). Cytogenetic location: 4q12.
Variant type: Microsatellite.
Coding change: c.2446_2447del on transcript NM_000222.3 (MANE Select); coding-DNA positions 2446 to 2447, 2 bases deleted (GA; older notation c.2446_2447delGA).
Protein change: p.Asp816fs; shifts the reading frame from aspartic acid 816.
Molecular consequence: frameshift variant.
Genome position (GRCh38, 1-based): chr4:54,733,154-54,733,155, GA deleted; deleting any 2 consecutive bases within chr4:54,733,151-54,733,155 gives the same sequence; the c. name uses the placement nearest the transcript's 3' end. VCF-style (leftmost placement, unchanged base first): chr4-54733150-CAG-C. GRCh37 (hg19) VCF-style: chr4-55599316-CAG-C.
Other names: c.2434_2435del, p.Asp812fs (NM_001093772.2, NM_001385292.1); c.2449_2450del, p.Asp817fs (NM_001385284.1); c.2443_2444del, p.Asp815fs (NM_001385285.1); c.2431_2432del, p.Asp811fs (NM_001385286.1); c.2437_2438del, p.Asp813fs (NM_001385288.1); c.2446_2447del, p.Asp816fs (NM_001385290.1); short protein forms D812fs, D815fs, D816fs, D813fs, D817fs, D811fs.
Identifiers: ClinVar variation 2770878 (VCV002770878.3), dbSNP rs2475571995, ClinGen allele CA2697546727.